The following is an entry in ClinVar:

ClinVar aggregate classification (germline): Uncertain significance (1 of 4 stars; one submission).

Conditions:
Hereditary cancer-predisposing syndrome. Also called: Neoplastic Syndromes, Hereditary; Tumor predisposition; Hereditary neoplastic syndrome; Hereditary Cancer Syndrome. Identifiers: Orphanet 140162, MedGen C0027672, MeSH D009386, MONDO:0015356.

Submission:

Ambry Genetics
Classification: Uncertain significance for Hereditary cancer-predisposing syndrome. Last evaluated: 2023-10-06. Review status: criteria provided, single submitter. Criteria: Ambry Variant Classification Scheme 2023. Collection method: clinical testing. Allele origin: germline.
Comment: The p.N975Y variant (also known as c.2923A>T), located in coding exon 19 of the ATM gene, results from an A to T substitution at nucleotide position 2923. The asparagine at codon 975 is replaced by tyrosine, an amino acid with dissimilar properties. This amino acid position is conserved. In addition, this alteration is predicted to be tolerated by in silico analysis. Since supporting evidence is limited at this time, the clinical significance of this alteration remains unclear.

NM_000051.4(ATM):c.2923A>T (p.Asn975Tyr)

Gene: ATM (ATM serine/threonine kinase; plus strand). Cytogenetic location: 11q22.3.
Variant type: single nucleotide variant.
Coding change: c.2923A>T on transcript NM_000051.4 (MANE Select); coding-DNA position 2923, A replaced by T.
Protein change: p.Asn975Tyr; replaces asparagine 975 with tyrosine.
Molecular consequence: missense variant.
Genome position (GRCh38, 1-based): chr11:108,271,252, A>T. VCF-style: chr11-108271252-A-T. GRCh37 (hg19) VCF-style: chr11-108141979-A-T.
Other names: c.2923A>T, p.Asn975Tyr (NM_001351834.2); short protein forms N975Y.
Identifiers: ClinVar variation 3232717 (VCV003232717.1), dbSNP rs2497685033, ClinGen allele CA382547071.
Genomic context (GRCh38, chr11:108,271,252, plus strand): 5'-ATAACTGATGTGTTCTGTTAAGCTTATAAAGTTGAACTTTTTTTTTTTTTTTACCACAGC[A>T]ATGTGTGTTCTTTGTATCGTCGTGACCAAGATGTTTGTAAAACTATTTTAAACCATGTCC-3'
Protein context (NP_000042.3, residues 965-985): DVLELLKPLS[Asn975Tyr]VCSLYRRDQD